The following is an entry in ClinVar:

NM_058216.3(RAD51C):c.212A>C (p.Asn71Thr)

Gene: RAD51C (RAD51 paralog C; plus strand). Cytogenetic location: 17q22.
Variant type: single nucleotide variant.
Coding change: c.212A>C on transcript NM_058216.3 (MANE Select); coding-DNA position 212, A replaced by C.
Protein change: p.Asn71Thr; replaces asparagine 71 with threonine.
Molecular consequence: missense variant. On other transcripts: non-coding transcript variant (2).
Genome position (GRCh38, 1-based): chr17:58,694,997, A>C. VCF-style: chr17-58694997-A-C. GRCh37 (hg19) VCF-style: chr17-56772358-A-C.
Other names: c.212A>C, p.Asn71Thr (NM_002876.4); short protein forms N71T.
Identifiers: ClinVar variation 820776 (VCV000820776.17), dbSNP rs1598455555, ClinGen allele CA400340079.

ClinVar aggregate classification (germline): Conflicting classifications of pathogenicity. Review status: criteria provided, conflicting classifications (1 of 4 stars). 5 submissions from 5 submitters: Uncertain significance (4); Benign (1). Last evaluated 2025-12-29.

Conditions:
Hereditary cancer-predisposing syndrome. Also called: Hereditary Cancer Syndrome; Neoplastic Syndromes, Hereditary; Hereditary neoplastic syndrome; Tumor predisposition. Identifiers: Orphanet 140162, MedGen C0027672, MeSH D009386, MONDO:0015356.
Breast-ovarian cancer, familial, susceptibility to, 3. Also called: RAD51C-Related Breast/Ovarian Cancer. Identifiers: Orphanet 145, MedGen C3150659, MONDO:0013253, OMIM 613399.
Fanconi anemia complementation group O. Also called: RAD51C-Related Fanconi Anemia. Identifiers: Orphanet 84, MedGen C3150653, MONDO:0013248, OMIM 613390.

Submissions (5):

Center for Genomic Medicine, Rigshospitalet, Copenhagen University Hospital
Classification: Uncertain significance. Last evaluated: 2025-12-29. Review status: criteria provided, single submitter. Criteria: ACMG Guidelines, 2015. Collection method: clinical testing. Allele origin: germline.

Ambry Genetics
Classification: Benign for Hereditary cancer-predisposing syndrome. Last evaluated: 2025-10-17. Review status: criteria provided, single submitter. Criteria: Ambry Variant Classification Scheme 2023. Collection method: clinical testing. Allele origin: germline.

Labcorp Genetics (formerly Invitae), Labcorp
Classification: Uncertain significance for Fanconi anemia complementation group O. Last evaluated: 2024-12-18. Review status: criteria provided, single submitter. Criteria: Invitae Variant Classification Sherloc (09022015). Collection method: clinical testing. Allele origin: germline.
Comment: This sequence change replaces asparagine, which is neutral and polar, with threonine, which is neutral and polar, at codon 71 of the RAD51C protein (p.Asn71Thr). This variant is not present in population databases (gnomAD no frequency). This variant has not been reported in the literature in individuals affected with RAD51C-related conditions. ClinVar contains an entry for this variant (Variation ID: 820776). An algorithm developed to predict the effect of missense changes on protein structure and function (PolyPhen-2) suggests that this variant is likely to be tolerated. In summary, the available evidence is currently insufficient to determine the role of this variant in disease. Therefore, it has been classified as a Variant of Uncertain Significance.

Color Diagnostics, LLC DBA Color Health
Classification: Uncertain significance for Hereditary cancer-predisposing syndrome. Last evaluated: 2024-03-07. Review status: criteria provided, single submitter. Criteria: ACMG Guidelines, 2015. Collection method: clinical testing. Allele origin: germline.
Comment: This missense variant replaces asparagine with threonine at codon 71 of the RAD51C protein. Computational prediction suggests that this variant may not impact protein structure and function (internally defined REVEL score threshold <= 0.5, PMID: 27666373). To our knowledge, functional studies have not been reported for this variant. This variant has not been reported in individuals affected with hereditary cancer in the literature. This variant has not been identified in the general population by the Genome Aggregation Database (gnomAD). The available evidence is insufficient to determine the role of this variant in disease conclusively. Therefore, this variant is classified as a Variant of Uncertain Significance.

Baylor Genetics
Classification: Uncertain significance for Breast-ovarian cancer, familial, susceptibility to, 3. Last evaluated: 2023-07-26. Review status: criteria provided, single submitter. Criteria: ACMG Guidelines, 2015. Collection method: clinical testing. Allele origin: unknown.